The following is an entry in ClinVar:

ClinVar aggregate classification (germline): Uncertain significance. Review status: criteria provided, multiple submitters, no conflicts (2 of 4 stars). 2 submissions from 2 submitters: Uncertain significance (2). Last evaluated 2022-12-15.

Submissions (2):

Labcorp Genetics (formerly Invitae), Labcorp
Classification: Uncertain significance. Last evaluated: 2022-12-15. Review status: criteria provided, single submitter. Criteria: Invitae Variant Classification Sherloc (09022015). Collection method: clinical testing. Allele origin: germline.
Comment: This sequence change replaces threonine, which is neutral and polar, with serine, which is neutral and polar, at codon 604 of the PDE6B protein (p.Thr604Ser). This variant is not present in population databases (gnomAD no frequency). This variant has not been reported in the literature in individuals affected with PDE6B-related conditions. ClinVar contains an entry for this variant (Variation ID: 866150). Advanced modeling of protein sequence and biophysical properties (such as structural, functional, and spatial information, amino acid conservation, physicochemical variation, residue mobility, and thermodynamic stability) performed at Invitae indicates that this missense variant is expected to disrupt PDE6B protein function. In summary, the available evidence is currently insufficient to determine the role of this variant in disease. Therefore, it has been classified as a Variant of Uncertain Significance.

Blueprint Genetics
Classification: Uncertain significance. Last evaluated: 2018-06-23. Review status: criteria provided, single submitter. Criteria: ACMG Guidelines, 2015. Collection method: clinical testing. Allele origin: germline.

NM_000283.4(PDE6B):c.1810A>T (p.Thr604Ser)

Gene: PDE6B (phosphodiesterase 6B; plus strand). Cytogenetic location: 4p16.3.
Variant type: single nucleotide variant.
Coding change: c.1810A>T on transcript NM_000283.4 (MANE Select); coding-DNA position 1810, A replaced by T.
Protein change: p.Thr604Ser; replaces threonine 604 with serine.
Molecular consequence: missense variant.
Genome position (GRCh38, 1-based): chr4:662,596, A>T. VCF-style: chr4-662596-A-T. GRCh37 (hg19) VCF-style: chr4-656385-A-T.
Other names: c.1810A>T, p.Thr604Ser (NM_001145291.2); c.973A>T, p.Thr325Ser (NM_001145292.2, NM_001350154.3, NM_001379246.1 and 1 more transcripts); c.655A>T, p.Thr219Ser (NM_001350155.3); short protein forms T325S, T219S, T604S.
Identifiers: ClinVar variation 866150 (VCV000866150.10), dbSNP rs1737239664, ClinGen allele CA355917549.